The following is an entry in ClinVar:

NM_006904.7(PRKDC):c.2174T>C (p.Leu725Pro)

Gene: PRKDC (protein kinase, DNA-activated, catalytic subunit; minus strand). Cytogenetic location: 8q11.21.
Variant type: single nucleotide variant.
Coding change: c.2174T>C on transcript NM_006904.7 (MANE Select); coding-DNA position 2174, T replaced by C.
Protein change: p.Leu725Pro; replaces leucine 725 with proline.
Molecular consequence: missense variant.
Genome position (GRCh38, 1-based): chr8:47,927,856, A>G on the plus strand (T>C on the coding strand, the complement: PRKDC is on the minus strand). VCF-style: chr8-47927856-A-G. GRCh37 (hg19) VCF-style: chr8-48840416-A-G.
Other names: c.2174T>C, p.Leu725Pro (NM_001081640.2); short protein forms L725P.
Identifiers: ClinVar variation 3225780 (VCV003225780.1), dbSNP rs1335821188, ClinGen allele CA371162781.

ClinVar aggregate classification (germline): Uncertain significance (1 of 4 stars; one submission).

Submission:

Ambry Genetics
Classification: Uncertain significance. Last evaluated: 2023-12-10. Review status: criteria provided, single submitter. Criteria: Ambry Variant Classification Scheme 2023. Collection method: clinical testing. Allele origin: germline.
Comment: The p.L725P variant (also known as c.2174T>C), located in coding exon 20 of the PRKDC gene, results from a T to C substitution at nucleotide position 2174. The leucine at codon 725 is replaced by proline, an amino acid with similar properties. This amino acid position is conserved. In addition, this alteration is predicted to be deleterious by in silico analysis. Since supporting evidence is limited at this time, the clinical significance of this alteration remains unclear.